The following is an entry in ClinVar:

NM_001271.4(CHD2):c.2894A>T (p.Lys965Ile)

Genes: CHD2 (chromodomain helicase DNA binding protein 2; plus strand), LOC126862230 (P300/CBP strongly-dependent group 1 enhancer GRCh37_chr15:93523977-93525176; plus strand). Cytogenetic location: 15q26.1.
Variant type: single nucleotide variant.
Coding change: c.2894A>T on transcript NM_001271.4 (MANE Select); coding-DNA position 2894, A replaced by T.
Protein change: p.Lys965Ile; replaces lysine 965 with isoleucine.
Molecular consequence: missense variant.
Genome position (GRCh38, 1-based): chr15:92,980,832, A>T. VCF-style: chr15-92980832-A-T. GRCh37 (hg19) VCF-style: chr15-93524062-A-T.
Other names: short protein forms K965I.
Identifiers: ClinVar variation 1196819 (VCV001196819.7), dbSNP rs2141846369, ClinGen allele CA393894630.

ClinVar aggregate classification (germline): Uncertain significance. Review status: criteria provided, multiple submitters, no conflicts (2 of 4 stars). 2 submissions from 2 submitters: Uncertain significance (2). Last evaluated 2022-03-09.

Conditions:
Developmental and epileptic encephalopathy 94 (DEE94). Also called: Epileptic encephalopathy, childhood-onset; CHD2-Related Neurodevelopmental Disorders. Identifiers: Orphanet 1942, Orphanet 2382, MedGen C3809278, MONDO:0014150, OMIM 615369.

Allele frequency attached by ClinVar (database versions not stated): gnomAD exomes below 0.00001.
gnomAD v4.1: 3 of 1,613,338 alleles (0.00019%); highest among the groups gnomAD compares: Non-Finnish European, 0.00025%; no homozygotes.

Submissions (2):

Labcorp Genetics (formerly Invitae), Labcorp
Classification: Uncertain significance for Developmental and epileptic encephalopathy 94. Last evaluated: 2022-03-09. Review status: criteria provided, single submitter. Criteria: Invitae Variant Classification Sherloc (09022015). Collection method: clinical testing. Allele origin: germline.
Comment: This variant is not present in population databases (gnomAD no frequency). In summary, the available evidence is currently insufficient to determine the role of this variant in disease. Therefore, it has been classified as a Variant of Uncertain Significance. Algorithms developed to predict the effect of missense changes on protein structure and function (SIFT, PolyPhen-2, Align-GVGD) all suggest that this variant is likely to be disruptive. ClinVar contains an entry for this variant (Variation ID: 1196819). This variant has not been reported in the literature in individuals affected with CHD2-related conditions. This sequence change replaces lysine, which is basic and polar, with isoleucine, which is neutral and non-polar, at codon 965 of the CHD2 protein (p.Lys965Ile).

GeneDx
Classification: Uncertain significance. Last evaluated: 2020-10-05. Review status: criteria provided, single submitter. Criteria: GeneDx Variant Classification Process June 2021. Collection method: clinical testing. Allele origin: germline. Affected: yes.
Comment: Not observed in large population cohorts (Lek et al., 2016); In silico analysis supports that this missense variant has a deleterious effect on protein structure/function; Has not been previously published as pathogenic or benign to our knowledge